The following is an entry in ClinVar:

ClinVar aggregate classification (germline): Likely pathogenic. Review status: criteria provided, multiple submitters, no conflicts (2 of 4 stars). 2 submissions from 2 submitters: Likely pathogenic (2). Last evaluated 2025-02-19.

Conditions:
Cardiovascular phenotype. Identifiers: MedGen CN230736.
Dilated cardiomyopathy 1G (CMD1G). Identifiers: Orphanet 154, MedGen C1858763, MONDO:0011400, OMIM 604145.
Autosomal recessive limb-girdle muscular dystrophy type 2J (LGMDR10). Also called: Limb-girdle muscular dystrophy, type 2J; MUSCULAR DYSTROPHY, LIMB-GIRDLE, AUTOSOMAL RECESSIVE 10. Identifiers: Orphanet 140922, MedGen C1837342, MONDO:0012127, OMIM 608807.

Submissions (2):

Labcorp Genetics (formerly Invitae), Labcorp
Classification: Likely pathogenic for Dilated cardiomyopathy 1G; Autosomal recessive limb-girdle muscular dystrophy type 2J. Last evaluated: 2025-02-19. Review status: criteria provided, single submitter. Criteria: Invitae Variant Classification Sherloc (09022015). Collection method: clinical testing. Allele origin: germline.
Comment: This sequence change creates a premature translational stop signal (p.Gln14214Serfs*26) in the TTN gene. While this is not anticipated to result in nonsense mediated decay, it is expected to create a truncated TTN protein. This variant is not present in population databases (gnomAD no frequency). This variant has not been observed in the literature in individuals with autosomal recessive TTN-related conditions. This variant has been reported in individual(s) with dilated cardiomyopathy (internal data); however, the role of the variant in this condition is currently unclear. ClinVar contains an entry for this variant (Variation ID: 1035843). This variant is located in the I band of TTN (PMID: 25589632). Truncating variants in this region have been reported in individuals affected with autosomal recessive centronuclear myopathy (PMID: 23975875, internal data). Truncating variants in this region have also been identified in individuals affected with autosomal dominant dilated cardiomyopathy and/or cardio-related conditions (PMID: 27869827, 32964742, internal data). In summary, the currently available evidence indicates that the variant is pathogenic, but additional data are needed to prove that conclusively. Therefore, this variant has been classified as Likely Pathogenic.

Ambry Genetics
Classification: Likely pathogenic for Cardiovascular phenotype. Last evaluated: 2022-11-29. Review status: criteria provided, single submitter. Criteria: Ambry Variant Classification Scheme 2023. Collection method: clinical testing. Allele origin: germline.
Comment: The c.15444dupT variant, located in coding exon 58 of the TTN gene, results from a duplication of T at nucleotide position 15444, causing a translational frameshift with a predicted alternate stop codon (p.Q5149Sfs*26). This exon is located in the I-band region of the N2-B isoform of the titin protein and is constitutively expressed in TTN transcripts (percent spliced in or PSI 100%). This variant is considered to be rare based on population cohorts in the Genome Aggregation Database (gnomAD). This alteration is expected to result in loss of function by premature protein truncation or nonsense-mediated mRNA decay. While truncating variants in TTN are present in 1-3% of the general population, truncating variants in the A-band are the most common cause of dilated cardiomyopathy (DCM) (Herman DS et al. N. Engl. J. Med., 2012 Feb;366:619-28; Roberts AM et al. Sci Transl Med, 2015 Jan;7:270ra6). TTN truncating variants encoded in constitutive exons (PSI >90%) have been found to be significantly associated with DCM regardless of their position in titin (Schafer S et al. Nat. Genet., 2017 01;49:46-53). As such, this alteration is classified as likely pathogenic.

Literature cited by the submitters: PubMed 25589632 (cited by Labcorp Genetics (formerly Invitae), Labcorp); PubMed 23975875 (cited by Labcorp Genetics (formerly Invitae), Labcorp); PubMed 27869827 (cited by Labcorp Genetics (formerly Invitae), Labcorp); PubMed 32964742 (cited by Labcorp Genetics (formerly Invitae), Labcorp).

NM_001267550.2(TTN):c.42639dup (p.Gln14214fs)

Gene: TTN (titin; minus strand). Cytogenetic location: 2q31.2.
Variant type: Duplication.
Coding change: c.42639dup on transcript NM_001267550.2 (MANE Select); coding-DNA position 42639, one base duplicated (T; older notation c.42639dupT).
Protein change: p.Gln14214fs; shifts the reading frame from glutamine 14214.
Molecular consequence: frameshift variant.
Genome position (GRCh38, 1-based): chr2:178,633,860, A duplicated on the plus strand (T on the coding strand, the reverse complement: TTN is on the minus strand). VCF-style (leftmost placement, unchanged base first): chr2-178633859-G-GA. GRCh37 (hg19) VCF-style: chr2-179498586-G-GA.
Other names: c.15444dupT (NM_003319.4); c.37716dup, p.Gln12573fs (NM_001256850.1); c.15444dup, p.Gln5149fs (NM_003319.4); c.34935dup, p.Gln11646fs (NM_133378.4); c.15819dup, p.Gln5274fs (NM_133432.3); c.16020dup, p.Gln5341fs (NM_133437.4); short protein forms Q11646fs, Q5341fs, Q5149fs, Q12573fs, Q14214fs, Q5274fs.
Identifiers: ClinVar variation 1035843 (VCV001035843.11), dbSNP rs2060106818, ClinGen allele CA1310557307.